The following is an entry in ClinVar:

NM_015221.4(DNMBP):c.2583G>A (p.Glu861=)

Gene: DNMBP (dynamin binding protein; minus strand). Cytogenetic location: 10q24.2.
Variant type: single nucleotide variant.
Coding change: c.2583G>A on transcript NM_015221.4 (MANE Select); coding-DNA position 2583, G replaced by A.
Protein change: p.Glu861=; no amino-acid change (glutamic acid 861 retained).
Molecular consequence: synonymous variant.
Genome position (GRCh38, 1-based): chr10:99,900,038, C>T on the plus strand (G>A on the coding strand, the complement: DNMBP is on the minus strand). VCF-style: chr10-99900038-C-T. GRCh37 (hg19) VCF-style: chr10-101659795-C-T.
Other names: c.1479G>A, p.Glu493= (NM_001318326.2); c.321G>A, p.Glu107= (NM_001318327.2).
Identifiers: ClinVar variation 3038596 (VCV003038596.4), dbSNP rs12260203, ClinGen allele CA5644884.

ClinVar aggregate classification (germline): Likely benign. Review status: criteria provided, multiple submitters, no conflicts (2 of 4 stars). 3 submissions from 3 submitters: Likely benign (2). 1 of the submissions does not count toward it. Last evaluated 2026-08-01.

Conditions:
DNMBP-related disorder. Also called: DNMBP-related condition.

Allele frequency attached by ClinVar (database versions not stated): gnomAD exomes 0.00054; ExAC 0.00140; ESP Exome Variant Server 0.00369; gnomAD 0.00372; TOPMed 0.00408; 1000 Genomes Project 0.00559; 1000 Genomes Project 30x 0.00625.
gnomAD v4.1: 1,382 of 1,614,150 alleles (0.086%); highest among the groups gnomAD compares: African/African-American, 1.3%; 6 homozygotes.

Submissions (3):

CeGaT Center for Human Genetics Tuebingen
Classification: Likely benign. Last evaluated: 2026-08-01. Review status: criteria provided, single submitter. Criteria: CeGaT Center For Human Genetics Tuebingen Variant Classification Criteria Version 2. Collection method: clinical testing. Allele origin: germline. Affected: yes. Observed: 1 variant allele.
Comment: DNMBP: BP4, BP7, BS1

Blueprint Genetics
Classification: Likely benign. Last evaluated: 2024-08-23. Review status: criteria provided, single submitter. Criteria: ACMG Guidelines, 2015. Collection method: clinical testing. Allele origin: germline.

PreventionGenetics, part of Exact Sciences
Classification: Benign for DNMBP-related condition. Last evaluated: 2019-05-22. Review status: no assertion criteria provided. Collection method: clinical testing. Allele origin: germline. Not counted in ClinVar's aggregate classification.
Comment: This variant is classified as benign based on ACMG/AMP sequence variant interpretation guidelines (Richards et al. 2015 PMID: 25741868, with internal and published modifications).